The following is an entry in ClinVar:

NM_024675.4(PALB2):c.841A>G (p.Ile281Val)

Gene: PALB2 (partner and localizer of BRCA2; minus strand). Cytogenetic location: 16p12.2.
Variant type: single nucleotide variant.
Coding change: c.841A>G on transcript NM_024675.4 (MANE Select); coding-DNA position 841, A replaced by G.
Protein change: p.Ile281Val; replaces isoleucine 281 with valine.
Molecular consequence: missense variant.
Genome position (GRCh38, 1-based): chr16:23,635,705, T>C on the plus strand (A>G on the coding strand, the complement: PALB2 is on the minus strand). VCF-style: chr16-23635705-T-C. GRCh37 (hg19) VCF-style: chr16-23647026-T-C.
Other names: short protein forms I281V.
Identifiers: ClinVar variation 530108 (VCV000530108.14), dbSNP rs751882053, ClinGen allele CA395135902.

ClinVar aggregate classification (germline): Uncertain significance. Review status: criteria provided, multiple submitters, no conflicts (2 of 4 stars). 2 submissions from 2 submitters: Uncertain significance (2). Last evaluated 2022-09-20.

Conditions:
Familial cancer of breast. Also called: BREAST CANCER, FAMILIAL; Hereditary breast cancer; hereditary breast carcinoma. Identifiers: Orphanet 227535, MedGen C0346153, MONDO:0016419, OMIM 114480. Disease mechanism: loss of function.
Hereditary cancer-predisposing syndrome. Also called: Hereditary neoplastic syndrome; Neoplastic Syndromes, Hereditary; Hereditary Cancer Syndrome; Tumor predisposition. Identifiers: Orphanet 140162, MedGen C0027672, MeSH D009386, MONDO:0015356.

gnomAD v4.1: 1 of 1,614,186 alleles (0.000062%); highest among the groups gnomAD compares: Non-Finnish European, 0.000085%; no homozygotes.

Submissions (2):

Labcorp Genetics (formerly Invitae), Labcorp
Classification: Uncertain significance for Familial cancer of breast. Last evaluated: 2022-09-20. Review status: criteria provided, single submitter. Criteria: Invitae Variant Classification Sherloc (09022015). Collection method: clinical testing. Allele origin: germline.
Comment: In summary, the available evidence is currently insufficient to determine the role of this variant in disease. Therefore, it has been classified as a Variant of Uncertain Significance. Algorithms developed to predict the effect of missense changes on protein structure and function output the following: SIFT: "Tolerated"; PolyPhen-2: "Benign"; Align-GVGD: "Class C0". The valine amino acid residue is found in multiple mammalian species, which suggests that this missense change does not adversely affect protein function. ClinVar contains an entry for this variant (Variation ID: 530108). This variant has not been reported in the literature in individuals affected with PALB2-related conditions. This variant is not present in population databases (gnomAD no frequency). This sequence change replaces isoleucine, which is neutral and non-polar, with valine, which is neutral and non-polar, at codon 281 of the PALB2 protein (p.Ile281Val).

Ambry Genetics
Classification: Uncertain significance for Hereditary cancer-predisposing syndrome. Last evaluated: 2019-11-04. Review status: criteria provided, single submitter. Criteria: Ambry Variant Classification Scheme 2023. Collection method: clinical testing. Allele origin: germline.
Comment: The p.I281V variant (also known as c.841A>G), located in coding exon 4 of the PALB2 gene, results from an A to G substitution at nucleotide position 841. The isoleucine at codon 281 is replaced by valine, an amino acid with highly similar properties. This amino acid position is not well conserved in available vertebrate species. In addition, this alteration is predicted to be tolerated by in silico analysis. Since supporting evidence is limited at this time, the clinical significance of this alteration remains unclear.